The following is an entry in ClinVar:

NM_001349798.2(FBXW7):c.536G>A (p.Arg179His)

Gene: FBXW7 (F-box and WD repeat domain containing 7; minus strand). Cytogenetic location: 4q31.3.
Variant type: single nucleotide variant.
Coding change: c.536G>A on transcript NM_001349798.2 (MANE Select); coding-DNA position 536, G replaced by A.
Protein change: p.Arg179His; replaces arginine 179 with histidine.
Molecular consequence: missense variant.
Genome position (GRCh38, 1-based): chr4:152,350,090, C>T on the plus strand (G>A on the coding strand, the complement: FBXW7 is on the minus strand). VCF-style: chr4-152350090-C-T. GRCh37 (hg19) VCF-style: chr4-153271242-C-T.
Other names: c.182G>A, p.Arg61His (NM_001013415.2); c.296G>A, p.Arg99His (NM_018315.5); c.536G>A, p.Arg179His (NM_033632.3); short protein forms R179H, R61H, R99H.
Identifiers: ClinVar variation 2896320 (VCV002896320.3), dbSNP rs201753217, ClinGen allele CA3106385.

ClinVar aggregate classification (germline): Uncertain significance (1 of 4 stars; one submission).

Allele frequency attached by ClinVar (database versions not stated): gnomAD 0.00003; TOPMed 0.00003; ESP Exome Variant Server 0.00008; ExAC 0.00009.
gnomAD v4.1: 16 of 1,566,440 alleles (0.001%); highest among the groups gnomAD compares: Middle Eastern, 0.019%; no homozygotes.

Submission:

Labcorp Genetics (formerly Invitae), Labcorp
Classification: Uncertain significance. Last evaluated: 2023-11-20. Review status: criteria provided, single submitter. Criteria: Invitae Variant Classification Sherloc (09022015). Collection method: clinical testing. Allele origin: germline.
Comment: This sequence change replaces arginine, which is basic and polar, with histidine, which is basic and polar, at codon 179 of the FBXW7 protein (p.Arg179His). The frequency data for this variant in the population databases is considered unreliable, as metrics indicate poor data quality at this position in the gnomAD database. This variant has not been reported in the literature in individuals affected with FBXW7-related conditions. An algorithm developed to predict the effect of missense changes on protein structure and function (PolyPhen-2) suggests that this variant is likely to be disruptive. In summary, the available evidence is currently insufficient to determine the role of this variant in disease. Therefore, it has been classified as a Variant of Uncertain Significance.